The following is an entry in ClinVar:

NM_182746.3(MCM4):c.556A>G (p.Ile186Val)

Gene: MCM4 (minichromosome maintenance complex component 4; plus strand). Cytogenetic location: 8q11.21.
Variant type: single nucleotide variant.
Coding change: c.556A>G on transcript NM_182746.3 (MANE Select); coding-DNA position 556, A replaced by G.
Protein change: p.Ile186Val; replaces isoleucine 186 with valine.
Molecular consequence: missense variant.
Genome position (GRCh38, 1-based): chr8:47,962,818, A>G. VCF-style: chr8-47962818-A-G. GRCh37 (hg19) VCF-style: chr8-48875378-A-G.
Other names: c.556A>G, p.Ile186Val (NM_005914.4); c.556A>G (NM_005914.3); short protein forms I186V.
Identifiers: ClinVar variation 1490136 (VCV001490136.5), dbSNP rs751330400, ClinGen allele CA4742339.

ClinVar aggregate classification (germline): Uncertain significance. Review status: criteria provided, multiple submitters, no conflicts (2 of 4 stars). 2 submissions from 2 submitters: Uncertain significance (2). Last evaluated 2025-06-29.

Allele frequency attached by ClinVar (database versions not stated): gnomAD 0.00001; gnomAD exomes 0.00001 and 0.00002; TOPMed 0.00002; ExAC 0.00003.

Submissions (2):

Labcorp Genetics (formerly Invitae), Labcorp
Classification: Uncertain significance. Last evaluated: 2025-06-29. Review status: criteria provided, single submitter. Criteria: Invitae Variant Classification Sherloc (09022015). Collection method: clinical testing. Allele origin: germline.
Comment: This sequence change replaces isoleucine, which is neutral and non-polar, with valine, which is neutral and non-polar, at codon 186 of the MCM4 protein (p.Ile186Val). This variant is present in population databases (rs751330400, gnomAD 0.005%). This variant has not been reported in the literature in individuals affected with MCM4-related conditions. ClinVar contains an entry for this variant (Variation ID: 1490136). An algorithm developed to predict the effect of missense changes on protein structure and function (PolyPhen-2) suggests that this variant is likely to be tolerated. In summary, the available evidence is currently insufficient to determine the role of this variant in disease. Therefore, it has been classified as a Variant of Uncertain Significance.

Ambry Genetics
Classification: Uncertain significance. Last evaluated: 2024-06-10. Review status: criteria provided, single submitter. Criteria: Ambry Variant Classification Scheme 2023. Collection method: clinical testing. Allele origin: germline.